The following is an entry in ClinVar:

ClinVar aggregate classification (germline): Benign/Likely benign. Review status: criteria provided, multiple submitters, no conflicts (2 of 4 stars). 3 submissions from 3 submitters: Benign (1); Likely benign (2). Last evaluated 2026-04-15.

Conditions:
Hereditary cancer-predisposing syndrome. Also called: Neoplastic Syndromes, Hereditary; Tumor predisposition; Hereditary Cancer Syndrome; Hereditary neoplastic syndrome. Identifiers: Orphanet 140162, MedGen C0027672, MeSH D009386, MONDO:0015356.
DICER1-related tumor predisposition. Also called: DICER1 syndrome; DICER1-related pleuropulmonary blastoma cancer predisposition syndrome. Identifiers: Orphanet 284343, MedGen C3839822, MONDO:0100216.

Submissions (3):

Myriad Genetics, Inc.
Classification: Benign for DICER1-related tumor predisposition. Last evaluated: 2026-04-15. Review status: criteria provided, single submitter. Criteria: Myriad Autosomal Dominant, Autosomal Recessive and X-Linked Classification Criteria (2023). Collection method: clinical testing. Allele origin: unknown.
Comment: This variant is considered benign. This variant is a silent/synonymous amino acid change and it is not expected to impact splicing.

Labcorp Genetics (formerly Invitae), Labcorp
Classification: Likely benign for DICER1-related tumor predisposition. Last evaluated: 2025-11-25. Review status: criteria provided, single submitter. Criteria: Invitae Variant Classification Sherloc (09022015). Collection method: clinical testing. Allele origin: germline.

Ambry Genetics
Classification: Likely benign for Hereditary cancer-predisposing syndrome. Last evaluated: 2020-07-24. Review status: criteria provided, single submitter. Criteria: Ambry Variant Classification Scheme 2023. Collection method: clinical testing. Allele origin: germline.

NM_177438.3(DICER1):c.1428C>T (p.Ser476=)

Gene: DICER1 (dicer 1, ribonuclease III; minus strand). Cytogenetic location: 14q32.13.
Variant type: single nucleotide variant.
Coding change: c.1428C>T on transcript NM_177438.3 (MANE Select); coding-DNA position 1428, C replaced by T.
Protein change: p.Ser476=; no amino-acid change (serine 476 retained).
Molecular consequence: synonymous variant.
Genome position (GRCh38, 1-based): chr14:95,117,703, G>A on the plus strand (C>T on the coding strand, the complement: DICER1 is on the minus strand). VCF-style: chr14-95117703-G-A. GRCh37 (hg19) VCF-style: chr14-95584040-G-A.
Other names: c.1428C>T, p.Ser476= (NM_001195573.1, NM_001271282.3, NM_001291628.2 and 1 more transcripts).
Identifiers: ClinVar variation 1125438 (VCV001125438.13), dbSNP rs2140138216, ClinGen allele CA487631884.